The following is an entry in ClinVar:

NM_000455.5(STK11):c.1103T>C (p.Val368Ala)

Genes: STK11 (serine/threonine kinase 11; plus strand), LOC130062899 (ATAC-STARR-seq lymphoblastoid active region 13597; plus strand). Cytogenetic location: 19p13.3.
Variant type: single nucleotide variant.
Coding change: c.1103T>C on transcript NM_000455.5 (MANE Select); coding-DNA position 1103, T replaced by C.
Protein change: p.Val368Ala; replaces valine 368 with alanine.
Molecular consequence: missense variant. On other transcripts: non-coding transcript variant (1).
Genome position (GRCh38, 1-based): chr19:1,223,167, T>C. VCF-style: chr19-1223167-T-C. GRCh37 (hg19) VCF-style: chr19-1223166-T-C.
Other names: c.1103T>C, p.Val368Ala (NM_001407255.1); short protein forms V368A.
Identifiers: ClinVar variation 5030315 (VCV005030315.1).

ClinVar aggregate classification (germline): Uncertain significance (1 of 4 stars; one submission).

Conditions:
Hereditary cancer-predisposing syndrome. Also called: Neoplastic Syndromes, Hereditary; Tumor predisposition; Hereditary neoplastic syndrome; Hereditary Cancer Syndrome. Identifiers: Orphanet 140162, MedGen C0027672, MeSH D009386, MONDO:0015356.

Submission:

Ambry Genetics
Classification: Uncertain significance for Hereditary cancer-predisposing syndrome. Last evaluated: 2026-07-06. Review status: criteria provided, single submitter. Criteria: Ambry Variant Classification Scheme 2023. Collection method: clinical testing. Allele origin: germline.
Comment: The p.V368A variant (also known as c.1103T>C), located in coding exon 8 of the STK11 gene, results from a T to C substitution at nucleotide position 1103. The valine at codon 368 is replaced by alanine, an amino acid with similar properties. This amino acid position is conserved. In addition, this alteration is predicted to be tolerated by in silico analysis. Based on the available evidence, the clinical significance of this variant remains unclear.